The following is an entry in ClinVar:

NM_003128.3(SPTBN1):c.5474A>G (p.His1825Arg)

Gene: SPTBN1 (spectrin beta, non-erythrocytic 1; plus strand). Cytogenetic location: 2p16.2.
Variant type: single nucleotide variant.
Coding change: c.5474A>G on transcript NM_003128.3 (MANE Select); coding-DNA position 5474, A replaced by G.
Protein change: p.His1825Arg; replaces histidine 1825 with arginine.
Molecular consequence: missense variant.
Genome position (GRCh38, 1-based): chr2:54,649,886, A>G. VCF-style: chr2-54649886-A-G. GRCh37 (hg19) VCF-style: chr2-54877023-A-G.
Other names: c.5435A>G, p.His1812Arg (NM_178313.3); short protein forms H1812R, H1825R.
Identifiers: ClinVar variation 3062177 (VCV003062177.2), dbSNP rs777564461, ClinGen allele CA346908390.

ClinVar aggregate classification (germline): Uncertain significance (1 of 4 stars; one submission).

Submission:

Centre of Medical Genetics, University Hospital Muenster
Classification: Uncertain significance. Last evaluated: 2023-05-30. Review status: criteria provided, single submitter. Criteria: ACMG Guidelines, 2015. Collection method: clinical testing. Allele origin: unknown. Affected: yes. Observed: 1 variant allele, 1 heterozygote.
Comment: ACMG categories: PM1,PM2